The following is an entry in ClinVar:

ClinVar aggregate classification (germline): Uncertain significance (1 of 4 stars; one submission).

Conditions:
Catecholaminergic polymorphic ventricular tachycardia (CVPT). Also called: Catecholamine-induced polymorphic ventricular tachycardia. Identifiers: Orphanet 3286, MedGen C5574922, MONDO:0017990.

Allele frequency attached by ClinVar (database versions not stated): gnomAD exomes below 0.00001.
gnomAD v4.1: 1 of 1,603,922 alleles (0.000062%); highest among the groups gnomAD compares: Admixed American, 0.0017%; no homozygotes.

Submission:

All of Us Research Program, National Institutes of Health
Classification: Uncertain significance for Catecholaminergic polymorphic ventricular tachycardia. Last evaluated: 2023-12-18. Review status: criteria provided, single submitter. Criteria: ACMG Guidelines, 2015. Collection method: clinical testing. Allele origin: germline. Inheritance: Autosomal dominant inheritance. Observed: 1 variant allele, 1 heterozygote.
Comment: This missense variant replaces proline with arginine at codon 1889 of the RYR2 protein. Computational prediction suggests that this variant may not impact protein structure and function (internally defined REVEL score threshold <= 0.5, PMID: 27666373). To our knowledge, functional studies have not been reported for this variant. This variant has not been reported in individuals affected with RYR2-related disorders in the literature. This variant has not been identified in the general population by the Genome Aggregation Database (gnomAD). The available evidence is insufficient to determine the role of this variant in disease conclusively. Therefore, this variant is classified as a Variant of Uncertain Significance.

This study involves interpretation of variants in research participants for the purpose of population health screening. Participant phenotype was not available at the time of variant classification. Additional details can be found in publication PMID: 35346344, PMCID: PMC8962531

NM_001035.3(RYR2):c.5666C>G (p.Pro1889Arg)

Gene: RYR2 (ryanodine receptor 2; plus strand). Cytogenetic location: 1q43.
Variant type: single nucleotide variant.
Coding change: c.5666C>G on transcript NM_001035.3 (MANE Select); coding-DNA position 5666, C replaced by G.
Protein change: p.Pro1889Arg; replaces proline 1889 with arginine.
Molecular consequence: missense variant.
Genome position (GRCh38, 1-based): chr1:237,614,794, C>G. VCF-style: chr1-237614794-C-G. GRCh37 (hg19) VCF-style: chr1-237778094-C-G.
Other names: short protein forms P1889R.
Identifiers: ClinVar variation 3075152 (VCV003075152.1), dbSNP rs2546798489, ClinGen allele CA345405741.